The following is an entry in ClinVar:

NM_001083614.2(EARS2):c.554C>T (p.Pro185Leu)

Gene: EARS2 (glutamyl-tRNA synthetase 2, mitochondrial; minus strand). Cytogenetic location: 16p12.2.
Variant type: single nucleotide variant.
Coding change: c.554C>T on transcript NM_001083614.2 (MANE Select); coding-DNA position 554, C replaced by T.
Protein change: p.Pro185Leu; replaces proline 185 with leucine.
Molecular consequence: missense variant. On other transcripts: non-coding transcript variant (1).
Genome position (GRCh38, 1-based): chr16:23,535,292, G>A on the plus strand (C>T on the coding strand, the complement: EARS2 is on the minus strand). VCF-style: chr16-23535292-G-A. GRCh37 (hg19) VCF-style: chr16-23546613-G-A.
Other names: c.554C>T, p.Pro185Leu (NM_001308211.1); short protein forms P185L.
Identifiers: ClinVar variation 4855025 (VCV004855025.1).

ClinVar aggregate classification (germline): Uncertain significance (1 of 4 stars; one submission).

Conditions:
Leukoencephalopathy-thalamus and brainstem anomalies-high lactate syndrome. Also called: LEUKOENCEPHALOPATHY WITH THALAMUS AND BRAINSTEM INVOLVEMENT AND HIGH LACTATE; Combined oxidative phosphorylation deficiency 12. Identifiers: Orphanet 314051, MedGen C4706421, MONDO:0013971, OMIM 614924.

gnomAD v4.1: 2 of 1,605,984 alleles (0.00012%); highest among the groups gnomAD compares: Non-Finnish European, 0.00017%; no homozygotes.

Submission:

3billion
Classification: Uncertain significance for Leukoencephalopathy-thalamus and brainstem anomalies-high lactate syndrome. Last evaluated: 2025-09-29. Review status: criteria provided, single submitter. Criteria: ACMG Guidelines, 2015. Collection method: clinical testing. Allele origin: germline. Affected: yes.
Comment: The variant is observed at an extremely low frequency in the gnomAD v4.1.0 dataset (total allele frequency: <0.001%). Predicted Consequence/Location: Missense variant Therefore, this variant is classified as VUS according to the recommendation of ACMG/AMP guideline.